The following is an entry in ClinVar:

NM_001754.5(RUNX1):c.351+1G>A

Gene: RUNX1 (RUNX family transcription factor 1; minus strand). Cytogenetic location: 21q22.12.
Variant type: single nucleotide variant.
Coding change: c.351+1G>A on transcript NM_001754.5 (MANE Select); the canonical splice donor site of the intron after coding-DNA position 351, G replaced by A.
Molecular consequence: splice donor variant.
Genome position (GRCh38, 1-based): chr21:34,886,842, C>T on the plus strand (G>A on the coding strand, the complement: RUNX1 is on the minus strand). VCF-style: chr21-34886842-C-T. GRCh37 (hg19) VCF-style: chr21-36259139-C-T.
Other names: c.270+1G>A (NM_001001890.3, NM_001122607.2).
Identifiers: ClinVar variation 561236 (VCV000561236.14), dbSNP rs1060502579, ClinGen allele CA410203336.

ClinVar aggregate classification (germline): Pathogenic. Review status: reviewed by expert panel (3 of 4 stars). 5 submissions from 5 submitters: Pathogenic (1). 4 of the submissions do not count toward it. Last evaluated 2024-03-26.

Conditions:
Hereditary thrombocytopenia and hematologic cancer predisposition syndrome. Identifiers: Orphanet 71290, MedGen CN281654, MONDO:0011071.
Hereditary thrombocytopenia and hematological cancer predisposition syndrome associated with RUNX1. Also called: PLATELET DISORDER, ASPIRIN-LIKE; RUNX1 Familial Platelet Disorder with Associated Myeloid Malignancies; Familial Platelet Disorder with Propensity to Acute Myelogenous Leukemia; Familial thrombocytopenia with propensity to acute myelogenous leukemia. Identifiers: Orphanet 71290, MedGen C1832388, MeSH C563324, MONDO:0100083, OMIM 601399.
Thrombocytopenia. Identifiers: MedGen C0040034, MeSH D013921, MONDO:0002049, HP:0001873.

Submissions (5):

ClinGen Myeloid Malignancy Variant Curation Expert Panel
Classification: Pathogenic for Hereditary thrombocytopenia and hematologic cancer predisposition syndrome. Last evaluated: 2024-03-26. Review status: reviewed by expert panel. Criteria: ClinGen MyeloMalig ACMG Specifications v2. Collection method: curation. Allele origin: germline. Inheritance: Autosomal dominant inheritance.
Comment: The c.351+1G>A is a splice donor variant that is predicted to introduce exon 4 skipping and a frameshift with a premature stop codon and expected to result in nonsense-mediated mRNA decay (PVS1). This variant is completely absent from all population databases with at least 20x coverage for RUNX1 (PM2_Supporting). This variant is a nonsense/frameshift variants that is downstream of c.98 (PM5_Supporting). This variant has been reported in two probands meeting at least one of the RUNX1-phenotypic criteria (PS4_Moderate; PMID: 27931139). In summary, this variant meets criteria to be classified as pathogenic. ACMG/AMP criteria applied, as specified by the Myeloid Malignancy Variant Curation Expert Panel for RUNX1: PVS1, PM2_supporting, PS4_Supporting, PM5_supporting.

Labcorp Genetics (formerly Invitae), Labcorp
Classification: Pathogenic for Hereditary thrombocytopenia and hematological cancer predisposition syndrome associated with RUNX1. Last evaluated: 2025-12-29. Review status: criteria provided, single submitter. Criteria: Invitae Variant Classification Sherloc (09022015). Collection method: clinical testing. Allele origin: germline. Not counted in ClinVar's aggregate classification.
Comment: This sequence change affects a donor splice site in intron 4 of the RUNX1 gene. It is expected to disrupt RNA splicing. Variants that disrupt the donor or acceptor splice site typically lead to a loss of protein function (PMID: 16199547), and loss-of-function variants in RUNX1 are known to be pathogenic (PMID: 18723428, 24100448). This variant is not present in population databases (gnomAD no frequency). Disruption of this splice site has been observed in individual(s) with clinical features of RUNX1-related conditions (PMID: 18723428, 27931139, 28102861, 28240786). It has also been observed to segregate with disease in related individuals. This variant is also known as splice donor site mutation in intron 3. ClinVar contains an entry for this variant (Variation ID: 561236). Algorithms developed to predict the effect of sequence changes on RNA splicing suggest that this variant may disrupt the consensus splice site. For these reasons, this variant has been classified as Pathogenic.

Bone Marrow Failure laboratory, Queen Mary University London
Classification: Pathogenic for Thrombocytopenia. Last evaluated: 2021-01-20. Review status: criteria provided, single submitter. Criteria: ACMG Guidelines, 2015. Collection method: research. Allele origin: unknown. Affected: yes. Not counted in ClinVar's aggregate classification.
Comment: The following ACMG/AMP criteria were used: PVS1, PM2 and PP3.

Genetic Services Laboratory, University of Chicago
Classification: Pathogenic. Last evaluated: 2019-09-03. Review status: criteria provided, single submitter. Criteria: ACMG Guidelines, 2015. Collection method: clinical testing. Allele origin: germline. Affected: yes. Not counted in ClinVar's aggregate classification.
Comment: DNA sequence analysis of the RUNX1 gene demonstrated a sequence change in the canonical splice donor site of intron 4, c.351+1G>A. This pathogenic sequence change is predicted to affect normal splicing of the RUNX1 gene and result in an abnormal protein which may be degraded, or may lead to the production of a truncated RUNX1 protein with potentially abnormal function. This pathogenic sequence change is absent from population databases such as ExAC and gnomAD. This pathogenic sequence change has previously been described in multiple patients with RUNX1-related thrombocytopenia (PMIDs:18723428, 28240786, 28102861, 28485484, 27931139). This sequence change is the likely cause of this disease phenotype, however functional studies have not been performed to prove this conclusively.

PreventionGenetics, part of Exact Sciences
Classification: Pathogenic. Last evaluated: 2017-03-28. Review status: criteria provided, single submitter. Criteria: ACMG Guidelines, 2015. Collection method: clinical testing. Allele origin: germline. Not counted in ClinVar's aggregate classification.

Literature cited by the submitters: PubMed 16199547 (cited by Labcorp Genetics (formerly Invitae), Labcorp); PubMed 18723428 (cited by Labcorp Genetics (formerly Invitae), Labcorp and Bone Marrow Failure laboratory, Queen Mary University London); PubMed 24100448 (cited by Labcorp Genetics (formerly Invitae), Labcorp); PubMed 27931139 (cited by Labcorp Genetics (formerly Invitae), Labcorp); PubMed 28102861 (cited by Labcorp Genetics (formerly Invitae), Labcorp); PubMed 28240786 (cited by Labcorp Genetics (formerly Invitae), Labcorp).